The following is an entry in ClinVar:

NM_000217.3(KCNA1):c.496G>A (p.Ala166Thr)

Gene: KCNA1 (potassium voltage-gated channel subfamily A member 1; plus strand). Cytogenetic location: 12p13.32.
Variant type: single nucleotide variant.
Coding change: c.496G>A on transcript NM_000217.3 (MANE Select); coding-DNA position 496, G replaced by A.
Protein change: p.Ala166Thr; replaces alanine 166 with threonine.
Molecular consequence: missense variant.
Genome position (GRCh38, 1-based): chr12:4,911,874, G>A. VCF-style: chr12-4911874-G-A. GRCh37 (hg19) VCF-style: chr12-5021040-G-A.
Other names: c.496G>A (NM_000217.2); short protein forms A166T.
Identifiers: ClinVar variation 1377571 (VCV001377571.10), dbSNP rs1179635654, ClinGen allele CA383454692.

ClinVar aggregate classification (germline): Conflicting classifications of pathogenicity. Review status: criteria provided, conflicting classifications (1 of 4 stars). 3 submissions from 3 submitters: Likely pathogenic (2); Uncertain significance (1). Last evaluated 2026-06-10.

Conditions:
Episodic ataxia type 1 (EA1). Also called: ATAXIA, EPISODIC, WITH MYOKYMIA; MYOKYMIA WITH PERIODIC ATAXIA; PAROXYSMAL ATAXIA WITH NEUROMYOTONIA, HEREDITARY; Episodic ataxia/myokymia syndrome. Identifiers: Orphanet 37612, Orphanet 972, MedGen C1719788, MONDO:0008047, OMIM 160120.

Submissions (3):

Victorian Clinical Genetics Services, Murdoch Childrens Research Institute
Classification: Likely pathogenic for Episodic ataxia type 1. Last evaluated: 2026-06-10. Review status: criteria provided, single submitter. Criteria: ACMG Guidelines, 2015. Collection method: clinical testing. Allele origin: germline. Affected: yes.
Comment: This variant is classified as Likely pathogenic. Evidence in support of pathogenic classification: Variant is absent from gnomAD (v2, v3 and v4); This variant has limited previous evidence of pathogenicity in an unrelated individual(s). This variant has been classified as a VUS by a clinical laboratory in ClinVar, and reported in the literature in an individual with episodic ataxia (PMID: 38570113); Additional information: Variant is predicted to result in a missense amino acid change from alanine to threonine; This variant is heterozygous; This gene is associated with autosomal dominant disease; Alternative amino acid change(s) at the same position are present in gnomAD (Highest allele count: v4: 1 heterozygote(s), 0 homozygote(s)); This variant has moderate functional evidence supporting abnormal protein function. Patch clamp studies support a loss of function effect for this variant as measured by peak current density when compared to controls (PMID: 38570113). Results from patch clamp assays are used with caution during variant classification; Another missense variant(s) comparable to the one identified in this case has inconclusive previous evidence for pathogenicity. p.(Ala166Pro) has been classified as a VUS by clinical laboratories in ClinVar; Variant is located in the annotated S1 transmembrane domain (PMID: 32316562; NCBI); Missense variant with inconclusive in silico prediction and uninformative conservation; Dominant negative and loss of function are known mechanisms of disease in this gene and are associated with episodic ataxia/myokymia syndrome (MIM#160120) (PMID: 11026449); The condition associated with this gene has incomplete penetrance (PMID: 20301785); Variants in this gene are known to have variable expressivity. Significant inter- and intra-familial variability is known for this gene, including some individuals reported to have isolated epileptic encephalopathies (PMIDs: 20301785, 32316562).

GeneDx
Classification: Uncertain significance. Last evaluated: 2026-03-30. Review status: criteria provided, single submitter. Criteria: GeneDx Variant Classification Process June 2021. Collection method: clinical testing. Allele origin: germline.
Comment: Not observed at significant frequency in large population cohorts (gnomAD); In silico analysis supports that this missense variant has a deleterious effect on protein structure/function; This variant is associated with the following publications: (PMID: 32316562, 38570113, 11026449)

Labcorp Genetics (formerly Invitae), Labcorp
Classification: Likely pathogenic for Episodic ataxia type 1. Last evaluated: 2025-06-16. Review status: criteria provided, single submitter. Criteria: Invitae Variant Classification Sherloc (09022015). Collection method: clinical testing. Allele origin: germline.
Comment: This sequence change replaces alanine, which is neutral and non-polar, with threonine, which is neutral and polar, at codon 166 of the KCNA1 protein (p.Ala166Thr). This variant is not present in population databases (gnomAD no frequency). This missense change has been observed in individuals with episodic ataxia and/or seizures (PMID: 38570113; internal data). ClinVar contains an entry for this variant (Variation ID: 1377571). Invitae Evidence Modeling of protein sequence and biophysical properties (such as structural, functional, and spatial information, amino acid conservation, physicochemical variation, residue mobility, and thermodynamic stability) indicates that this missense variant is expected to disrupt KCNA1 protein function with a positive predictive value of 95%. Experimental studies have shown that this missense change affects KCNA1 function (PMID: 38570113). In summary, the currently available evidence indicates that the variant is pathogenic, but additional data are needed to prove that conclusively. Therefore, this variant has been classified as Likely Pathogenic.

Literature cited by the submitters: PubMed 20301785 (cited by Victorian Clinical Genetics Services, Murdoch Childrens Research Institute); PubMed 11026449 (cited by Victorian Clinical Genetics Services, Murdoch Childrens Research Institute); PubMed 38570113 (cited by Victorian Clinical Genetics Services, Murdoch Childrens Research Institute and Labcorp Genetics (formerly Invitae), Labcorp); PubMed 32316562 (cited by Victorian Clinical Genetics Services, Murdoch Childrens Research Institute).